The following is an entry in ClinVar:

NM_001042472.3(ABHD12):c.293C>T (p.Ala98Val)

Gene: ABHD12 (abhydrolase domain containing 12, lysophospholipase; minus strand). Cytogenetic location: 20p11.21.
Variant type: single nucleotide variant.
Coding change: c.293C>T on transcript NM_001042472.3 (MANE Select); coding-DNA position 293, C replaced by T.
Protein change: p.Ala98Val; replaces alanine 98 with valine.
Molecular consequence: missense variant.
Genome position (GRCh38, 1-based): chr20:25,339,250, G>A on the plus strand (C>T on the coding strand, the complement: ABHD12 is on the minus strand). VCF-style: chr20-25339250-G-A. GRCh37 (hg19) VCF-style: chr20-25319886-G-A.
Other names: c.293C>T, p.Ala98Val (NM_015600.5); short protein forms A98V.
Identifiers: ClinVar variation 1381631 (VCV001381631.7), dbSNP rs2146035322, ClinGen allele CA408445640.

ClinVar aggregate classification (germline): Uncertain significance. Review status: criteria provided, multiple submitters, no conflicts (2 of 4 stars). 2 submissions from 2 submitters: Uncertain significance (2). Last evaluated 2022-07-05.

Allele frequency attached by ClinVar (database versions not stated): gnomAD exomes below 0.00001.
gnomAD v4.1: 3 of 1,614,102 alleles (0.00019%); highest among the groups gnomAD compares: Non-Finnish European, 0.00025%; no homozygotes.

Submissions (2):

Blueprint Genetics
Classification: Uncertain significance. Last evaluated: 2022-07-05. Review status: criteria provided, single submitter. Criteria: ACMG Guidelines, 2015. Collection method: clinical testing. Allele origin: germline.

Labcorp Genetics (formerly Invitae), Labcorp
Classification: Uncertain significance. Last evaluated: 2021-04-02. Review status: criteria provided, single submitter. Criteria: Invitae Variant Classification Sherloc (09022015). Collection method: clinical testing. Allele origin: germline.
Comment: In summary, the available evidence is currently insufficient to determine the role of this variant in disease. Therefore, it has been classified as a Variant of Uncertain Significance. Algorithms developed to predict the effect of sequence changes on RNA splicing suggest that this variant may create or strengthen a splice site, but this prediction has not been confirmed by published transcriptional studies. Algorithms developed to predict the effect of missense changes on protein structure and function (SIFT, PolyPhen-2, Align-GVGD) all suggest that this variant is likely to be tolerated, but these predictions have not been confirmed by published functional studies and their clinical significance is uncertain. This variant has not been reported in the literature in individuals with ABHD12-related conditions. This variant is not present in population databases (ExAC no frequency). This sequence change replaces alanine with valine at codon 98 of the ABHD12 protein (p.Ala98Val). The alanine residue is moderately conserved and there is a small physicochemical difference between alanine and valine.